The following is an entry in ClinVar:

NM_000059.4(BRCA2):c.4138A>G (p.Ile1380Val)

Gene: BRCA2 (BRCA2 DNA repair associated; plus strand). Cytogenetic location: 13q13.1.
Variant type: single nucleotide variant.
Coding change: c.4138A>G on transcript NM_000059.4 (MANE Select); coding-DNA position 4138, A replaced by G.
Protein change: p.Ile1380Val; replaces isoleucine 1380 with valine.
Molecular consequence: missense variant.
Genome position (GRCh38, 1-based): chr13:32,338,493, A>G. VCF-style: chr13-32338493-A-G. GRCh37 (hg19) VCF-style: chr13-32912630-A-G.
Other names: short protein forms I1380V.
Identifiers: ClinVar variation 438977 (VCV000438977.4), dbSNP rs1555283594, ClinGen allele CA387779402.
Genomic context (GRCh38, chr13:32,338,493, plus strand): 5'-GATCAGCACAACATATGTCTTAAATTATCTGGCCAGTTTATGAAGGAGGGAAACACTCAG[A>G]TTAAAGAAGATTTGTCAGATTTAACTTTTTTGGAAGTTGCGAAAGCTCAAGAAGCATGTC-3'
Protein context (NP_000050.3, residues 1370-1390): GQFMKEGNTQ[Ile1380Val]KEDLSDLTFL

ClinVar aggregate classification (germline): Conflicting classifications of pathogenicity. Review status: criteria provided, conflicting classifications (1 of 4 stars). 2 submissions from 2 submitters: Uncertain significance (1); Likely benign (1). Last evaluated 2023-03-23.

Conditions:
Hereditary cancer-predisposing syndrome. Also called: Hereditary neoplastic syndrome; Hereditary Cancer Syndrome; Tumor predisposition; Neoplastic Syndromes, Hereditary. Identifiers: Orphanet 140162, MedGen C0027672, MeSH D009386, MONDO:0015356.

Submissions (2):

University of Washington Department of Laboratory Medicine, University of Washington
Classification: Likely benign for Hereditary cancer-predisposing syndrome. Last evaluated: 2023-03-23. Review status: criteria provided, single submitter. Criteria: Dines et al. (Genet Med. 2020). Collection method: curation. Allele origin: germline.
Comment: Missense variant in a coldspot region where missense variants are very unlikely to be pathogenic (PMID:31911673).

BRCA2 exon 11 coldspot. Reclassification based on statistical prior probability.

Quest Diagnostics Nichols Institute San Juan Capistrano
Classification: Uncertain significance. Last evaluated: 2017-07-25. Review status: criteria provided, single submitter. Criteria: Quest Diagnostics criteria. Collection method: clinical testing. Allele origin: germline.